The following is an entry in ClinVar:

ClinVar aggregate classification (germline): Pathogenic. Review status: reviewed by expert panel (3 of 4 stars). 11 submissions from 11 submitters: Pathogenic (1). 10 of the submissions do not count toward it. Last evaluated 2021-12-30.

Conditions:
Monogenic diabetes. Identifiers: Orphanet 183625, MedGen C3888631, MONDO:0015967.
Maturity-onset diabetes of the young (MODY). Also called: Maturity onset diabetes mellitus in young. Identifiers: Orphanet 552, MedGen C0342276, MONDO:0018911, HP:0004904.
HNF1A-related disorder. Also called: HNF1A-related condition.
HNF1A-related disorders.
Maturity-onset diabetes of the young type 3. Also called: MODY type 3; MODY, type III. Identifiers: Orphanet 552, MedGen C1838100, MeSH C563933, MONDO:0010894, OMIM 600496. Disease mechanism: loss of function.

Allele frequency attached by ClinVar (database versions not stated): TOPMed below 0.00001.

Submissions (11):

ClinGen Monogenic Diabetes Variant Curation Expert Panel
Classification: Pathogenic for Monogenic diabetes. Last evaluated: 2021-12-30. Review status: reviewed by expert panel. Criteria: ClinGen Diabetes ACMG Specifications v1 1. Collection method: curation. Allele origin: germline. Inheritance: Autosomal dominant inheritance.
Comment: The c.476G>A variant in the HNF1 homeobox A gene, HNF1A, causes an amino acid change of arginine to glutamine at codon 159 (p.Arg159Gln) of NM_000545.8. This variant was identified in more than 10 unrelated individuals with non- autoimmune and non-absolute/near-absolute insulin-deficient diabetes (PS4; PMIDS: 10078571, 12488961, 15928245, 20132997, 9097962, 10754480, internal lab contributors). Also, this variant segregated with diabetes, with at least 11 informative meioses in 17 families with MODY (PP1_Strong; PMIDs: 9097962, 10754480, internal lab contributors). This variant is located within a conserved region of the DNA binding domain (codons 107-174 and 201-280) of HNF1A, which is defined as critical for the protein’s function by the ClinGen MDEP (PM1_Supporting). This variant is also absent from gnomAD v2.1.1 (PM2_Supporting). This variant is predicted to be deleterious by computational evidence, with a REVEL score of 0.976, which is greater than or equal to the MDEP VCEP threshold of 0.70 (PP3). Lastly, functional studies demonstrated the p.Arg159Gln protein has DNA binding below 40% of wild type, indicating that this variant impacts protein function (PS3_Supporting; PMID: 10585442). In summary, c.476G>A meets the criteria to be classified as pathogenic for monogenic diabetes. ACMG/AMP criteria applied, as specified by the ClinGen MDEP (specification version 1.1, approved 6/4/2021): PS4, PP1_Strong, PM1_Supporting, PM2_Supporting, PP4_Moderate, PP3, PS3_Supporting

Dasa
Classification: Pathogenic. Last evaluated: 2025-10-15. Review status: criteria provided, single submitter. Criteria: DASA Assertion Criteria. Collection method: clinical testing. Allele origin: germline. Not counted in ClinVar's aggregate classification.
Comment: NM_000545.8(HNF1A):c.476G>A (p.Arg159Gln) is a missense variant that results in the substitution of arginine with glutamine. The affected residue or protein region has prior evidence supporting clinical relevance. Segregation evidence has been reported in affected families. Functional evidence supports a deleterious effect on the gene or gene product (PMID: 10078571; PMID: 12488961; PMID: 15928245; PMID: 20132997; PMID: 9097962). This variant has been recurrently observed in individuals with related phenotype (PMID: 10078571; PMID: 12488961; PMID: 15928245; PMID: 20132997; PMID: 9097962). Multiple computational predictions support a deleterious effect on the gene or gene product. The variant is present at low frequency in population datasets. Based on the available data, this variant is classified as pathogenic.

Centre for Clinical Genetics and Genomic Diagnostics, Zealand University Hospital
Classification: Pathogenic. Last evaluated: 2025-06-05. Review status: criteria provided, single submitter. Criteria: ACMG Guidelines, 2015. Collection method: clinical testing. Allele origin: germline. Affected: yes. Not counted in ClinVar's aggregate classification.

PreventionGenetics, part of Exact Sciences
Classification: Pathogenic for HNF1A-related condition. Last evaluated: 2024-10-04. Review status: criteria provided, single submitter. Criteria: ACMG Guidelines, 2015. Collection method: clinical testing. Allele origin: germline. Not counted in ClinVar's aggregate classification.
Comment: The HNF1A c.476G>A variant is predicted to result in the amino acid substitution p.Arg159Gln. This variant has been reported in many patients to be pathogenic for maturity onset diabetes of the young (MODY) due to disrupted DNA interaction (Vaxillaire et al. 1997. PubMed ID: 9097962; Yamada S et al 1999. PubMed ID: 10078571; Chi et al. 2002. PubMedID: 12453420; Terryn S et al 2016. PubMed ID: 27083284). This variant has not been reported in a large population database, indicating this variant is rare. This variant is interpreted as pathogenic.

Blueprint Genetics
Classification: Pathogenic for HNF1A-related disorders. Last evaluated: 2024-04-10. Review status: criteria provided, single submitter. Criteria: ACMG Guidelines, 2015. Collection method: clinical testing. Allele origin: germline. Affected: yes. Observed: 2 variant alleles. Not counted in ClinVar's aggregate classification.

Athena Diagnostics
Classification: Pathogenic. Last evaluated: 2024-01-24. Review status: criteria provided, single submitter. Criteria: Athena Diagnostics Criteria. Collection method: clinical testing. Allele origin: unknown. Not counted in ClinVar's aggregate classification.
Comment: This variant has been identified in multiple unrelated individuals with clinical features associated with this gene. This variant has not been reported in large, multi-ethnic general populations (Genome Aggregation Database (gnomAD), Cambridge, MA (URL)). Assessment of experimental evidence suggests this variant results in abnormal protein function. (PMID: 10078571, 10585442, 12453420, 27083284).

Labcorp Genetics (formerly Invitae), Labcorp
Classification: Pathogenic. Last evaluated: 2023-11-30. Review status: criteria provided, single submitter. Criteria: Invitae Variant Classification Sherloc (09022015). Collection method: clinical testing. Allele origin: germline. Not counted in ClinVar's aggregate classification.
Comment: This sequence change replaces arginine, which is basic and polar, with glutamine, which is neutral and polar, at codon 159 of the HNF1A protein (p.Arg159Gln). This variant is not present in population databases (gnomAD no frequency). This missense change has been observed in individual(s) with maturity-onset diabetes of the young (PMID: 9097962). It has also been observed to segregate with disease in related individuals. ClinVar contains an entry for this variant (Variation ID: 586792). Advanced modeling of protein sequence and biophysical properties (such as structural, functional, and spatial information, amino acid conservation, physicochemical variation, residue mobility, and thermodynamic stability) has been performed at Invitae for this missense variant, however the output from this modeling did not meet the statistical confidence thresholds required to predict the impact of this variant on HNF1A protein function. For these reasons, this variant has been classified as Pathogenic.

GeneDx
Classification: Pathogenic. Last evaluated: 2022-05-09. Review status: criteria provided, single submitter. Criteria: GeneDx Variant Classification Process June 2021. Collection method: clinical testing. Allele origin: germline. Affected: yes. Not counted in ClinVar's aggregate classification.
Comment: Published functional studies demonstrate no restoration of HNF1A megalin and cubilin expression in mice putative cells after transfection compared to wild-type; Not observed at significant frequency in large population cohorts (gnomAD); In silico analysis supports that this missense variant has a deleterious effect on protein structure/function; This variant is associated with the following publications: (PMID: 30487145, 20393147, 25306193, 26479152, 12488961, 23548576, 20132997, 12453420, 15928245, 11058894, 26110317, 10754480, 25555642, 28701371, 18003757, 27486234, 9097962, 27083284)

Snyder Lab, Genetics Department, Stanford University
Classification: Pathogenic for Maturity-onset diabetes of the young, type 3. Last evaluated: 2017-01-01. Review status: criteria provided, single submitter. Criteria: ACMG Guidelines, 2015. Collection method: research. Allele origin: germline. Affected: yes. Not counted in ClinVar's aggregate classification.

Clinical Genetics Service, Universitary Hospital 12 de Octubre
Classification: Pathogenic for Maturity-onset diabetes of the young type 3. Review status: criteria provided, single submitter. Criteria: ACMG Guidelines, 2015. Collection method: clinical testing. Allele origin: germline. Affected: yes. Not counted in ClinVar's aggregate classification.

Clinical Genomics, Uppaluri K&H Personalized Medicine Clinic
Classification: Pathogenic for Maturity-onset diabetes of the young. Review status: criteria provided, single submitter. Criteria: K & H Uppaluri Personalized Medicine Clinic Variant Classification & Assertion Criteria_Updated V.1. Collection method: research. Allele origin: unknown. Inheritance: Autosomal dominant inheritance. Not counted in ClinVar's aggregate classification.
Comment: Mutations in HNF1A gene can predispose to MODY3. It is associated with both micro and macrovascular complications of diabetes, especially cardiovascular complications. Associated with glucosuria. May respond well to sulfonylureas. Sufficient evidence is found to confer the association of this particular variant rs1172328722 with MODY3.

Literature cited by the submitters: PubMed 10078571 (cited by 3 submitters); PubMed 12488961 (cited by 3 submitters); PubMed 15928245 (cited by Dasa and Athena Diagnostics); PubMed 20132997 (cited by 3 submitters); PubMed 9097962 (cited by 4 submitters); PubMed 10754480 (cited by 3 submitters); PubMed 10585442 (cited by Dasa and Athena Diagnostics); PubMed 23548576 (cited by Athena Diagnostics); PubMed 27486234 (cited by Athena Diagnostics and Clinical Genomics, Uppaluri K&H Personalized Medicine Clinic); PubMed 12453420 (cited by Athena Diagnostics); PubMed 27083284 (cited by Athena Diagnostics); PubMed 20393147 (cited by Athena Diagnostics); PubMed 28701371 (cited by Athena Diagnostics); PubMed 26110317 (cited by Athena Diagnostics); PubMed 26479152 (cited by Athena Diagnostics); PubMed 25306193 (cited by Athena Diagnostics); PubMed 24041679 (cited by Athena Diagnostics); PubMed 11058894 (cited by Athena Diagnostics); PubMed 25555642 (cited by Athena Diagnostics); PubMed 34556497 (cited by Athena Diagnostics); PubMed 33950347 (cited by Athena Diagnostics); PubMed 36189138 (cited by Athena Diagnostics); PubMed 32741144 (cited by Athena Diagnostics and Clinical Genomics, Uppaluri K&H Personalized Medicine Clinic); PubMed 33242514 (cited by Athena Diagnostics); PubMed 35089870 (cited by Athena Diagnostics); PubMed 35733065 (cited by Athena Diagnostics); PubMed 30487145 (cited by Clinical Genomics, Uppaluri K&H Personalized Medicine Clinic).

NM_000545.8(HNF1A):c.476G>A (p.Arg159Gln)

Gene: HNF1A (HNF1 homeobox A; plus strand). Cytogenetic location: 12q24.31.
Variant type: single nucleotide variant.
Coding change: c.476G>A on transcript NM_000545.8 (MANE Select); coding-DNA position 476, G replaced by A.
Protein change: p.Arg159Gln; replaces arginine 159 with glutamine.
Molecular consequence: missense variant.
Genome position (GRCh38, 1-based): chr12:120,988,982, G>A. VCF-style: chr12-120988982-G-A. GRCh37 (hg19) VCF-style: chr12-121426785-G-A.
Other names: NM_000545.6(HNF1A):c.476G>A; p.Arg159Gln; c.476G>A, p.Arg159Gln (NM_001306179.2); short protein forms R159Q.
Identifiers: ClinVar variation 586792 (VCV000586792.24), dbSNP rs1172328722, ClinGen allele CA386960413.